The following is an entry in ClinVar:

NM_001378778.1(MPDZ):c.2177C>G (p.Thr726Ser)

Gene: MPDZ (multiple PDZ domain crumbs cell polarity complex component; minus strand). Cytogenetic location: 9p23.
Variant type: single nucleotide variant.
Coding change: c.2177C>G on transcript NM_001378778.1 (MANE Select); coding-DNA position 2177, C replaced by G.
Protein change: p.Thr726Ser; replaces threonine 726 with serine.
Molecular consequence: missense variant.
Genome position (GRCh38, 1-based): chr9:13,188,971, G>C on the plus strand (C>G on the coding strand, the complement: MPDZ is on the minus strand). VCF-style: chr9-13188971-G-C. GRCh37 (hg19) VCF-style: chr9-13188970-G-C.
Other names: c.2177C>G, p.Thr726Ser (NM_001261406.2, NM_001261407.2, NM_001330637.2 and 14 more transcripts); short protein forms T726S.
Identifiers: ClinVar variation 3648910 (VCV003648910.2).

ClinVar aggregate classification (germline): Uncertain significance (1 of 4 stars; one submission).

Submission:

Labcorp Genetics (formerly Invitae), Labcorp
Classification: Uncertain significance. Last evaluated: 2024-10-27. Review status: criteria provided, single submitter. Criteria: Invitae Variant Classification Sherloc (09022015). Collection method: clinical testing. Allele origin: germline.
Comment: This sequence change replaces threonine, which is neutral and polar, with serine, which is neutral and polar, at codon 726 of the MPDZ protein (p.Thr726Ser). This variant is not present in population databases (gnomAD no frequency). This variant has not been reported in the literature in individuals affected with MPDZ-related conditions. An algorithm developed to predict the effect of missense changes on protein structure and function (PolyPhen-2) suggests that this variant is likely to be disruptive. In summary, the available evidence is currently insufficient to determine the role of this variant in disease. Therefore, it has been classified as a Variant of Uncertain Significance.